The following is an entry in ClinVar:

ClinVar aggregate classification (germline): Uncertain significance (1 of 4 stars; one submission).

Conditions:
Inborn genetic diseases. Identifiers: MedGen C0950123, MeSH D030342.

Submission:

Ambry Genetics
Classification: Uncertain significance for Inborn genetic diseases. Last evaluated: 2024-03-07. Review status: criteria provided, single submitter. Criteria: Ambry Variant Classification Scheme 2023. Collection method: clinical testing. Allele origin: germline.
Comment: The p.F538L variant (also known as c.1614C>G), located in coding exon 14 of the LRRK2 gene, results from a C to G substitution at nucleotide position 1614. The phenylalanine at codon 538 is replaced by leucine, an amino acid with highly similar properties. This amino acid position is conserved. In addition, this alteration is predicted to be tolerated by in silico analysis. Based on the available evidence, the clinical significance of this alteration remains unclear.

NM_198578.4(LRRK2):c.1614C>G (p.Phe538Leu)

Gene: LRRK2 (leucine rich repeat kinase 2; plus strand). Cytogenetic location: 12q12.
Variant type: single nucleotide variant.
Coding change: c.1614C>G on transcript NM_198578.4 (MANE Select); coding-DNA position 1614, C replaced by G.
Protein change: p.Phe538Leu; replaces phenylalanine 538 with leucine.
Molecular consequence: missense variant.
Genome position (GRCh38, 1-based): chr12:40,263,859, C>G. VCF-style: chr12-40263859-C-G. GRCh37 (hg19) VCF-style: chr12-40657661-C-G.
Other names: short protein forms F538L.
Identifiers: ClinVar variation 3229522 (VCV003229522.1), dbSNP rs2499572399, ClinGen allele CA384399049.
Genomic context (GRCh38, chr12:40,263,859, plus strand): 5'-AGAATCCAGGGAGGATACAGAATTTCATCATAAGCTAAATATGGTTAAAAAACAGTGTTT[C>G]AAGAATGATATTCACAAACTGGTCCTAGCAGCTTTGAACAGGGTATGTTGAATATAAGTT-3'
Protein context (NP_940980.4, residues 528-548): HKLNMVKKQC[Phe538Leu]KNDIHKLVLA